The following is an entry in ClinVar:

NM_003321.5(TUFM):c.558T>C (p.Ala186=)

Gene: TUFM (Tu translation elongation factor, mitochondrial; minus strand). Cytogenetic location: 16p11.2.
Variant type: single nucleotide variant.
Coding change: c.558T>C on transcript NM_003321.5 (MANE Select); coding-DNA position 558, T replaced by C.
Protein change: p.Ala186=; no amino-acid change (alanine 186 retained).
Molecular consequence: synonymous variant.
Genome position (GRCh38, 1-based): chr16:28,844,824, A>G on the plus strand (T>C on the coding strand, the complement: TUFM is on the minus strand). VCF-style: chr16-28844824-A-G. GRCh37 (hg19) VCF-style: chr16-28856145-A-G.
Other names: c.558T>C, p.Ala186= (NM_001365360.2).
Identifiers: ClinVar variation 379527 (VCV000379527.12), dbSNP rs141728293, ClinGen allele CA7985597.
Genomic context (GRCh38, chr16:28,844,824, plus strand): 5'-GAGCAGCTCCCGGATCTCCAGTTCCACCAGTTCCACCATCTCAGAGTCCTGGACAGCGTC[A>G]GCCTTGTTCACATACACCACCACATGCTCCACCCCAATCTGTAGATGCCAGAGAGACAGG-3'
Protein context (NP_003312.3, residues 176-196): VEHVVVYVNK[Ala186=]DAVQDSEMVE

ClinVar aggregate classification (germline): Conflicting classifications of pathogenicity. Review status: criteria provided, conflicting classifications (1 of 4 stars). 3 submissions from 3 submitters: Uncertain significance (1); Likely benign (2). Last evaluated 2025-12-08.

Conditions:
Combined oxidative phosphorylation defect type 4. Identifiers: Orphanet 254925, MedGen C1857682, MONDO:0012534, OMIM 610678.

Allele frequency attached by ClinVar (database versions not stated): gnomAD exomes 0.00012 and 0.00020; ESP Exome Variant Server 0.00015; 1000 Genomes Project 30x 0.00016; 1000 Genomes Project 0.00020; ExAC 0.00021; gnomAD 0.00044 and 0.00047; TOPMed 0.00049.

Submissions (3):

Labcorp Genetics (formerly Invitae), Labcorp
Classification: Likely benign. Last evaluated: 2025-12-08. Review status: criteria provided, single submitter. Criteria: Invitae Variant Classification Sherloc (09022015). Collection method: clinical testing. Allele origin: germline.

Illumina Laboratory Services, Illumina
Classification: Uncertain significance for Combined oxidative phosphorylation defect type 4. Last evaluated: 2018-01-12. Review status: criteria provided, single submitter. Criteria: ICSL Variant Classification Criteria 13 December 2019. Collection method: clinical testing. Allele origin: germline.

GeneDx
Classification: Likely benign. Last evaluated: 2015-11-16. Review status: criteria provided, single submitter. Criteria: GeneDx Variant Classification (06012015). Collection method: clinical testing. Allele origin: germline. Affected: yes.
Comment: This variant is considered likely benign or benign based on one or more of the following criteria: it is a conservative change, it occurs at a poorly conserved position in the protein, it is predicted to be benign by multiple in silico algorithms, and/or has population frequency not consistent with disease.